The following is an entry in ClinVar:

NM_001366385.1(CARD14):c.1340T>C (p.Leu447Pro)

Gene: CARD14 (caspase recruitment domain family member 14; plus strand). Cytogenetic location: 17q25.3.
Variant type: single nucleotide variant.
Coding change: c.1340T>C on transcript NM_001366385.1 (MANE Select); coding-DNA position 1340, T replaced by C.
Protein change: p.Leu447Pro; replaces leucine 447 with proline.
Molecular consequence: missense variant. On other transcripts: non-coding transcript variant (1).
Genome position (GRCh38, 1-based): chr17:80,192,603, T>C. VCF-style: chr17-80192603-T-C. GRCh37 (hg19) VCF-style: chr17-78166402-T-C.
Other names: c.1340T>C, p.Leu447Pro (NM_001257970.1, NM_024110.4); c.629T>C, p.Leu210Pro (NM_052819.3); short protein forms L210P, L447P.
Identifiers: ClinVar variation 1053840 (VCV001053840.9), dbSNP rs767733432, ClinGen allele CA8816761.

ClinVar aggregate classification (germline): Uncertain significance (1 of 4 stars; one submission).

Conditions:
Pityriasis rubra pilaris (PRP). Also called: Pityriasis rubra pilaris--familial type. Identifiers: Orphanet 2897, MedGen C0032027, MONDO:0100017, OMIM 173200, MONDO:0008251.
Psoriasis 2. Identifiers: MedGen C1864497, MONDO:0011269, OMIM 602723.

Allele frequency attached by ClinVar (database versions not stated): gnomAD 0.00001; gnomAD exomes 0.00001 and 0.00002; TOPMed 0.00001; ExAC 0.00002.
gnomAD v4.1: 11 of 1,612,888 alleles (0.00068%); highest among the groups gnomAD compares: Non-Finnish European, 0.00059%; no homozygotes.

Submission:

Labcorp Genetics (formerly Invitae), Labcorp
Classification: Uncertain significance for Pityriasis rubra pilaris; Psoriasis 2. Last evaluated: 2025-03-22. Review status: criteria provided, single submitter. Criteria: Invitae Variant Classification Sherloc (09022015). Collection method: clinical testing. Allele origin: germline.
Comment: This sequence change replaces leucine, which is neutral and non-polar, with proline, which is neutral and non-polar, at codon 447 of the CARD14 protein (p.Leu447Pro). This variant is present in population databases (rs767733432, gnomAD 0.01%). This variant has not been reported in the literature in individuals affected with CARD14-related conditions. ClinVar contains an entry for this variant (Variation ID: 1053840). Invitae Evidence Modeling of protein sequence and biophysical properties (such as structural, functional, and spatial information, amino acid conservation, physicochemical variation, residue mobility, and thermodynamic stability) indicates that this missense variant is not expected to disrupt CARD14 protein function with a negative predictive value of 95%. In summary, the available evidence is currently insufficient to determine the role of this variant in disease. Therefore, it has been classified as a Variant of Uncertain Significance.